The following is an entry in ClinVar:

NM_198578.4(LRRK2):c.7436A>T (p.Asn2479Ile)

Gene: LRRK2 (leucine rich repeat kinase 2; plus strand). Cytogenetic location: 12q12.
Variant type: single nucleotide variant.
Coding change: c.7436A>T on transcript NM_198578.4 (MANE Select); coding-DNA position 7436, A replaced by T.
Protein change: p.Asn2479Ile; replaces asparagine 2479 with isoleucine.
Molecular consequence: missense variant.
Genome position (GRCh38, 1-based): chr12:40,367,051, A>T. VCF-style: chr12-40367051-A-T. GRCh37 (hg19) VCF-style: chr12-40760853-A-T.
Other names: short protein forms N2479I.
Identifiers: ClinVar variation 3229792 (VCV003229792.1), dbSNP rs2137058196, ClinGen allele CA384415798.
Genomic context (GRCh38, chr12:40,367,051, plus strand): 5'-TTTGTTTTTGTAAAGGAAGCCTTAAAAATGTCATGCTGGTATTGGGCTACAACCGGAAAA[A>T]TACTGAAGGTACACAAAAGCAGAAAGGTAACATTTAGAAGGATACTGTTTTCCAAACAGG-3'
Protein context (NP_940980.4, residues 2469-2489): VMLVLGYNRK[Asn2479Ile]TEGTQKQKEI

ClinVar aggregate classification (germline): Uncertain significance (1 of 4 stars; one submission).

Conditions:
Inborn genetic diseases. Identifiers: MedGen C0950123, MeSH D030342.

gnomAD v4.1: 4 of 1,609,754 alleles (0.00025%); highest among the groups gnomAD compares: Non-Finnish European, 0.00034%; no homozygotes.

Submission:

Ambry Genetics
Classification: Uncertain significance for Inborn genetic diseases. Last evaluated: 2024-01-11. Review status: criteria provided, single submitter. Criteria: Ambry Variant Classification Scheme 2023. Collection method: clinical testing. Allele origin: germline.
Comment: The p.N2479I variant (also known as c.7436A>T), located in coding exon 50 of the LRRK2 gene, results from an A to T substitution at nucleotide position 7436. The asparagine at codon 2479 is replaced by isoleucine, an amino acid with dissimilar properties. This amino acid position is conserved. In addition, this alteration is predicted to be tolerated by in silico analysis. Since supporting evidence is limited at this time, the clinical significance of this alteration remains unclear.